The following is an entry in ClinVar:

ClinVar aggregate classification (germline): Uncertain significance (1 of 4 stars; one submission).

Conditions:
SDCCAG8-related disorder. Also called: SDCCAG8-related condition; SDCCAG8-Related Disorders.

gnomAD v4.1: 1 of 1,614,076 alleles (0.000062%); highest among the groups gnomAD compares: Non-Finnish European, 0.000085%; no homozygotes.

Submission:

PreventionGenetics, part of Exact Sciences
Classification: Uncertain significance for SDCCAG8-related condition. Last evaluated: 2025-07-30. Review status: criteria provided, single submitter. Criteria: ACMG Guidelines, 2015. Collection method: clinical testing. Allele origin: germline.
Comment: The SDCCAG8 c.506A>G variant is predicted to result in the amino acid substitution p.Gln169Arg. To our knowledge, this variant has not been reported in the literature or in a large population database (gnomAD), indicating this variant is rare. At this time, the clinical significance of this variant is uncertain due to the absence of conclusive functional and genetic evidence.

NM_006642.5(SDCCAG8):c.506A>G (p.Gln169Arg)

Gene: SDCCAG8 (SHH signaling and ciliogenesis regulator SDCCAG8; plus strand). Cytogenetic location: 1q43.
Variant type: single nucleotide variant.
Coding change: c.506A>G on transcript NM_006642.5 (MANE Select); coding-DNA position 506, A replaced by G.
Protein change: p.Gln169Arg; replaces glutamine 169 with arginine.
Molecular consequence: missense variant. On other transcripts: 5 prime UTR variant (3).
Genome position (GRCh38, 1-based): chr1:243,286,357, A>G. VCF-style: chr1-243286357-A-G. GRCh37 (hg19) VCF-style: chr1-243449659-A-G.
Other names: c.-607A>G (NM_001350246.2); c.-495A>G (NM_001350247.2); c.506A>G, p.Gln169Arg (NM_001350248.2); c.212A>G, p.Gln71Arg (NM_001350249.2); c.-868A>G (NM_001350251.2); short protein forms Q169R, Q71R.
Identifiers: ClinVar variation 4998700 (VCV004998700.1).
Genomic context (GRCh38, chr1:243,286,357, plus strand): 5'-AAATACAAGTAGTTGTGCTTGAAAACGAAGGGCTCCAGCAACAGCTAAAATCTCAAAGAC[A>G]AGAGGAGACACTGAGGGAACAAACACTTCTGGATGCATCCGTGAGCATTATTTTAAATCA-3'
Protein context (NP_006633.1, residues 159-179): GLQQQLKSQR[Gln169Arg]EETLREQTLL